The following is an entry in ClinVar:

NM_206933.4(USH2A):c.11661G>C (p.Trp3887Cys)

Gene: USH2A (usherin; minus strand). Cytogenetic location: 1q41.
Variant type: single nucleotide variant.
Coding change: c.11661G>C on transcript NM_206933.4 (MANE Select); coding-DNA position 11661, G replaced by C.
Protein change: p.Trp3887Cys; replaces tryptophan 3887 with cysteine.
Molecular consequence: missense variant.
Genome position (GRCh38, 1-based): chr1:215,741,425, C>G on the plus strand (G>C on the coding strand, the complement: USH2A is on the minus strand). VCF-style: chr1-215741425-C-G. GRCh37 (hg19) VCF-style: chr1-215914767-C-G.
Other names: short protein forms W3887C.
Identifiers: ClinVar variation 3233911 (VCV003233911.2), dbSNP rs2465067565, ClinGen allele CA344833431.

ClinVar aggregate classification (germline): Uncertain significance (1 of 4 stars; one submission).

Allele frequency attached by ClinVar (database versions not stated): gnomAD exomes below 0.00001.
gnomAD v4.1: 1 of 1,613,910 alleles (0.000062%); highest among the groups gnomAD compares: Non-Finnish European, 0.000085%; no homozygotes.

Submission:

Women's Health and Genetics/Laboratory Corporation of America, LabCorp
Classification: Uncertain significance. Last evaluated: 2024-03-18. Review status: criteria provided, single submitter. Criteria: LabCorp Variant Classification Summary - May 2015. Collection method: clinical testing. Allele origin: germline.
Comment: Variant summary: USH2A c.11661G>C (p.Trp3887Cys) results in a non-conservative amino acid change located in the Fibronectin type III domain (IPR003961) of the encoded protein sequence. Five of five in-silico tools predict a damaging effect of the variant on protein function. The variant was absent in 251452 control chromosomes (gnomAD). The available data on variant occurrences in the general population are insufficient to allow any conclusion about variant significance. c.11661G>C has been reported in the literature in an individuals affected with inherited retinal disease (Karali_2022). These data do not allow any conclusion about variant significance. To our knowledge, no experimental evidence demonstrating an impact on protein function has been reported. The following publication has been ascertained in the context of this evaluation (PMID: 36460718). No submitters have cited clinical-significance assessments for this variant to ClinVar. Based on the evidence outlined above, the variant was classified as uncertain significance.

Literature cited by the submitters: PubMed 36460718.